The following is an entry in ClinVar:

ClinVar aggregate classification (germline): Benign. Review status: criteria provided, multiple submitters, no conflicts (2 of 4 stars). 2 submissions from 2 submitters: Benign (2). Last evaluated 2018-06-16.

Allele frequency attached by ClinVar (database versions not stated): gnomAD exomes 0.00273; gnomAD 0.02899 and 0.03110; 1000 Genomes Project 0.02915; 1000 Genomes Project 30x 0.03154; TOPMed 0.03382.
gnomAD v4.1: 8,000 of 1,392,768 alleles (0.57%); highest among the groups gnomAD compares: African/African-American, 10%; 354 homozygotes.

Submissions (2):

GeneDx
Classification: Benign. Last evaluated: 2018-06-16. Review status: criteria provided, single submitter. Criteria: GeneDx Variant Classification (06012015). Collection method: clinical testing. Allele origin: germline. Affected: yes.
Comment: This variant is considered likely benign or benign based on one or more of the following criteria: it is a conservative change, it occurs at a poorly conserved position in the protein, it is predicted to be benign by multiple in silico algorithms, and/or has population frequency not consistent with disease.

Breakthrough Genomics
Classification: Benign. Review status: criteria provided, single submitter. Criteria: ACMG Guidelines, 2015. Collection method: not provided. Allele origin: germline. Inheritance: Autosomal recessive inheritance. Affected: yes.

NM_001195518.2(MICU1):c.1181-66C>A

Gene: MICU1 (mitochondrial calcium uptake 1; minus strand). Cytogenetic location: 10q22.1.
Variant type: single nucleotide variant.
Coding change: c.1181-66C>A on transcript NM_001195518.2 (MANE Select); 66 bases into the intron before coding-DNA position 1181, C replaced by A.
Molecular consequence: intron variant.
Genome position (GRCh38, 1-based): chr10:72,375,938, G>T on the plus strand (C>A on the coding strand, the complement: MICU1 is on the minus strand). VCF-style: chr10-72375938-G-T. GRCh37 (hg19) VCF-style: chr10-74135696-G-T.
Other names: c.1187-66C>A (NM_006077.4); c.1199-66C>A (NM_001363513.2); c.587-66C>A (NM_001195519.2).
Identifiers: ClinVar variation 676314 (VCV000676314.2), dbSNP rs12098281, ClinGen allele CA209546742.